The following is an entry in ClinVar:

NM_001613.4(ACTA2):c.129+5G>A

Gene: ACTA2 (actin alpha 2, smooth muscle; minus strand). Cytogenetic location: 10q23.31.
Variant type: single nucleotide variant.
Coding change: c.129+5G>A on transcript NM_001613.4 (MANE Select); 5 bases into the intron after coding-DNA position 129, G replaced by A.
Molecular consequence: intron variant.
Genome position (GRCh38, 1-based): chr10:88,948,797, C>T on the plus strand (G>A on the coding strand, the complement: ACTA2 is on the minus strand). VCF-style: chr10-88948797-C-T. GRCh37 (hg19) VCF-style: chr10-90708554-C-T.
Other names: c.129+5G>A (NM_001406471.1, NM_001141945.3, NM_001406463.1 and 7 more transcripts).
Identifiers: ClinVar variation 423832 (VCV000423832.14), dbSNP rs373402293, ClinGen allele CA026899.

ClinVar aggregate classification (germline): Uncertain significance. Review status: criteria provided, multiple submitters, no conflicts (2 of 4 stars). 5 submissions from 5 submitters: Uncertain significance (5). Last evaluated 2025-10-08.

Conditions:
Aortic aneurysm, familial thoracic 6 (AAT6). Also called: FAMILIAL THORACIC AORTIC ANEURYSM WITH LIVEDO RETICULARIS AND IRIS FLOCCULI. Identifiers: MedGen C2673186, MONDO:0012730, OMIM 611788.
Familial thoracic aortic aneurysm and aortic dissection (TAAD). Also called: Thoracic aortic aneurysms and dissections. Identifiers: Orphanet 91387, MedGen C4707243, MONDO:0019625.
Moyamoya disease 5 (MYMY5). Identifiers: Orphanet 2573, MedGen C3279690, MONDO:0013542, OMIM 614042.
Multisystemic smooth muscle dysfunction syndrome (SMDYS). Also called: SMOOTH MUSCLE DYSFUNCTION SYNDROME; MYDRIASIS, CONGENITAL, WITH PATENT DUCTUS ARTERIOSUS, THORACIC AORTIC ANEURYSM, AND VASCULOPATHY. Identifiers: Orphanet 404463, MedGen C3151201, MONDO:0013452, OMIM 613834.

Allele frequency attached by ClinVar (database versions not stated): gnomAD exomes 0.00001 and 0.00002; ExAC 0.00002; gnomAD 0.00002; TOPMed 0.00002; ESP Exome Variant Server 0.00023.
gnomAD v4.1: 8 of 1,613,702 alleles (0.0005%); highest among the groups gnomAD compares: African/African-American, 0.004%; no homozygotes.

Submissions (5):

Labcorp Genetics (formerly Invitae), Labcorp
Classification: Uncertain significance for Aortic aneurysm, familial thoracic 6. Last evaluated: 2025-10-08. Review status: criteria provided, single submitter. Criteria: Invitae Variant Classification Sherloc (09022015). Collection method: clinical testing. Allele origin: germline.
Comment: This sequence change falls in intron 2 of the ACTA2 gene. It does not directly change the encoded amino acid sequence of the ACTA2 protein. It affects a nucleotide within the consensus splice site. This variant is present in population databases (rs373402293, gnomAD 0.007%). This variant has not been reported in the literature in individuals affected with ACTA2-related conditions. ClinVar contains an entry for this variant (Variation ID: 423832). Variants that disrupt the consensus splice site are a relatively common cause of aberrant splicing (PMID: 17576681, 9536098). Algorithms developed to predict the effect of sequence changes on RNA splicing suggest that this variant is not likely to affect RNA splicing. In summary, the available evidence is currently insufficient to determine the role of this variant in disease. Therefore, it has been classified as a Variant of Uncertain Significance.

Color Diagnostics, LLC DBA Color Health
Classification: Uncertain significance for Familial thoracic aortic aneurysm and aortic dissection. Last evaluated: 2025-07-01. Review status: criteria provided, single submitter. Criteria: ACMG Guidelines, 2015. Collection method: clinical testing. Allele origin: germline.
Comment: This variant causes a G to A nucleotide substitution at the +5 position of intron 2 of the ACTA2 gene. To our knowledge, functional studies have not been reported for this variant. This variant has not been reported in individuals affected with ACTA2-related disorders in the literature. This variant has been identified in 4/251000 chromosomes in the general population by the Genome Aggregation Database (gnomAD). The available evidence is insufficient to determine the role of this variant in disease conclusively. Therefore, this variant is classified as a Variant of Uncertain Significance.

Ambry Genetics
Classification: Uncertain significance for Familial thoracic aortic aneurysm and aortic dissection. Last evaluated: 2024-06-07. Review status: criteria provided, single submitter. Criteria: Ambry Variant Classification Scheme 2023. Collection method: clinical testing. Allele origin: germline.
Comment: The c.129+5G>A intronic variant results from a G to A substitution 5 nucleotides after coding exon 1 in the ACTA2 gene. This nucleotide position is well conserved in available vertebrate species. In silico splice site analysis predicts that this alteration will not have any significant effect on splicing. Based on the available evidence, the clinical significance of this variant remains unclear.

Fulgent Genetics
Classification: Uncertain significance for Aortic aneurysm, familial thoracic 6; Multisystemic smooth muscle dysfunction syndrome; Moyamoya disease 5. Last evaluated: 2021-09-16. Review status: criteria provided, single submitter. Criteria: ACMG Guidelines, 2015. Collection method: clinical testing. Allele origin: unknown.

GeneDx
Classification: Uncertain significance. Last evaluated: 2017-03-10. Review status: criteria provided, single submitter. Criteria: GeneDx Variant Classification (06012015). Collection method: clinical testing. Allele origin: germline. Affected: yes.
Comment: The c.129+5G>A variant in the ACTA2 gene has not been reported previously as a pathogenic variant nor as a benign variant, to our knowledge. This variant reduces the quality of the splice donor site in intron 2, and is expected to cause abnormal gene splicing. The c.129+5G>A variant is not observed at a significant frequency in large population cohorts (Lek et al., 2016; 1000 Genomes Consortium et al., 2015; Exome Variant Server). We interpret c.129+5G>A as a variant of uncertain significance.

Literature cited by the submitters: PubMed 17576681 (cited by Labcorp Genetics (formerly Invitae), Labcorp); PubMed 9536098 (cited by Labcorp Genetics (formerly Invitae), Labcorp).